The following is an entry in ClinVar:

ClinVar aggregate classification (germline): Uncertain significance (1 of 4 stars; one submission).

Conditions:
Ehlers-Danlos syndrome, cardiac valvular type. Identifiers: Orphanet 230851, MedGen C4303789, MONDO:0009159, OMIM 225320.
Osteogenesis imperfecta, perinatal lethal (OI2). Also called: OSTEOGENESIS IMPERFECTA, TYPE II; Osteogenesis imperfecta, dominant perinatal lethal; OI, TYPE II; OSTEOGENESIS IMPERFECTA CONGENITA; Osteogenesis imperfecta type 2; VROLIK TYPE OF OSTEOGENESIS IMPERFECTA. Identifiers: Orphanet 216804, MedGen C0268358, MONDO:0008147, OMIM 166210.
Osteogenesis imperfecta type III (OI3). Also called: Osteogenesis imperfecta type 3; OI type 3; Osteogenesis imperfecta, progressively deforming with normal sclerae; OI type III; Progressively Deforming Osteogenesis Imperfecta. Identifiers: Orphanet 216812, Orphanet 666, MedGen C0268362, MONDO:0009804, OMIM 259420.
Ehlers-Danlos syndrome, arthrochalasia type, 2. Also called: EHLERS-DANLOS SYNDROME, TYPE VIIB, AUTOSOMAL DOMINANT. Identifiers: MedGen CN293783, MONDO:0040501, OMIM 617821.
Osteogenesis imperfecta with normal sclerae, dominant form (OI4). Also called: OSTEOGENESIS IMPERFECTA WITH NORMAL SCLERAE; Osteogenesis imperfecta type 4; OSTEOGENESIS IMPERFECTA, TYPE IV, WITH DENTINOGENESIS IMPERFECTA; Osteogenesis Imperfecta Type IV; Common Variable Osteogenesis Imperfecta with Normal Sclerae. Identifiers: Orphanet 216820, Orphanet 666, MedGen C0268363, MONDO:0008148, OMIM 166220.
Combined osteogenesis imperfecta and Ehlers-Danlos syndrome 2. Also called: OIEDS SYNDROME 2. Identifiers: MedGen C5436847, MONDO:0030855, OMIM 619120.
Osteoporosis. Identifiers: MedGen C0029456, MONDO:0005298, OMIM 166710, HP:0000939.

gnomAD v4.1: 4 of 1,613,982 alleles (0.00025%); highest among the groups gnomAD compares: East Asian, 0.0089%; no homozygotes.

Submission:

Juno Genomics, Hangzhou Juno Genomics, Inc
Classification: Uncertain significance for Osteoporosis; Combined osteogenesis imperfecta and Ehlers-Danlos syndrome 2; Ehlers-Danlos syndrome, arthrochalasia type, 2; Ehlers-Danlos syndrome, cardiac valvular type; Osteogenesis imperfecta, perinatal lethal; Osteogenesis imperfecta type III; Osteogenesis imperfecta with normal sclerae, dominant form. Review status: criteria provided, single submitter. Criteria: ACMG Guidelines, 2015. Collection method: clinical testing. Allele origin: germline.
Comment: Absent from controls (or at extremely low frequency if recessive) in Genome Aggregation Database.;Missense variant in a gene that has a low rate of benign missense variation.

NM_000089.4(COL1A2):c.20C>G (p.Thr7Arg)

Gene: COL1A2 (collagen type I alpha 2 chain; plus strand). Cytogenetic location: 7q21.3.
Variant type: single nucleotide variant.
Coding change: c.20C>G on transcript NM_000089.4 (MANE Select); coding-DNA position 20, C replaced by G.
Protein change: p.Thr7Arg; replaces threonine 7 with arginine.
Molecular consequence: missense variant.
Genome position (GRCh38, 1-based): chr7:94,395,051, C>G. VCF-style: chr7-94395051-C-G. GRCh37 (hg19) VCF-style: chr7-94024363-C-G.
Other names: short protein forms T7R.
Identifiers: ClinVar variation 5007242 (VCV005007242.2).
Genomic context (GRCh38, chr7:94,395,051, plus strand): 5'-GGCTCTGCGACACAAGGAGTCTGCATGTCTAAGTGCTAGACATGCTCAGCTTTGTGGATA[C>G]GCGGACTTTGTTGCTGCTTGCAGTAACCTTATGCCTAGCAACATGCCAATGTAAGTGCCT-3'
Protein context (NP_000080.2, residues 1-17): MLSFVD[Thr7Arg]RTLLLLAVTL